The following is an entry in ClinVar:

ClinVar aggregate classification (germline): Uncertain significance (1 of 4 stars; one submission).

Submission:

Dasa
Classification: Uncertain significance. Last evaluated: 2025-12-09. Review status: criteria provided, single submitter. Criteria: DASA Assertion Criteria. Collection method: clinical testing. Allele origin: germline.
Comment: NM_001923.5(DDB1):c.2545G>C (p.Val849Leu) is a missense variant that results in the substitution of valine with leucine. This variant is rare in population databases. The currently available literature and clinical evidence are not sufficient to establish a definitive association between this variant and the reported condition. Therefore, this variant is classified as a variant of uncertain significance.

NM_001923.5(DDB1):c.2545G>C (p.Val849Leu)

Gene: DDB1 (damage specific DNA binding protein 1; minus strand). Cytogenetic location: 11q12.2.
Variant type: single nucleotide variant.
Coding change: c.2545G>C on transcript NM_001923.5 (MANE Select); coding-DNA position 2545, G replaced by C.
Protein change: p.Val849Leu; replaces valine 849 with leucine.
Molecular consequence: missense variant.
Genome position (GRCh38, 1-based): chr11:61,309,817, C>G on the plus strand (G>C on the coding strand, the complement: DDB1 is on the minus strand). VCF-style: chr11-61309817-C-G. GRCh37 (hg19) VCF-style: chr11-61077289-C-G.
Other names: short protein forms V849L.
Identifiers: ClinVar variation 4882662 (VCV004882662.2).
Genomic context (GRCh38, chr11:61,309,817, plus strand): 5'-TTTCACATCCCTCAGAAACTGGAGACTGCGCCCACTTACCATCCGAATACTGAAAGACCA[C>G]AATGCGACCCTGCTTGGGCTCTGCCTCTTCAGGATACACCATTGCTGTGCCCACAATGAA-3'
Protein context (NP_001914.3, residues 839-859): EEAEPKQGRI[Val849Leu]VFQYSDGKLQ